The following is an entry in ClinVar:

NM_012478.4(WBP2):c.192G>T (p.Lys64Asn)

Gene: WBP2 (WW domain binding protein 2; minus strand). Cytogenetic location: 17q25.1.
Variant type: single nucleotide variant.
Coding change: c.192G>T on transcript NM_012478.4 (MANE Select); coding-DNA position 192, G replaced by T.
Protein change: p.Lys64Asn; replaces lysine 64 with asparagine.
Molecular consequence: missense variant.
Genome position (GRCh38, 1-based): chr17:75,849,716, C>A on the plus strand (G>T on the coding strand, the complement: WBP2 is on the minus strand). VCF-style: chr17-75849716-C-A. GRCh37 (hg19) VCF-style: chr17-73845797-C-A.
Other names: c.192G>T, p.Lys64Asn (NM_001330499.2, NM_001348170.1); short protein forms K64N.
Identifiers: ClinVar variation 3663755 (VCV003663755.2).
Genomic context (GRCh38, chr17:75,849,716, plus strand): 5'-CTGCTTGATCTCACAGTCTTTCATGAGATAAAATGGCATCATGAAGGACTGCATGGCATC[C>A]TTGCCCTTGGACAGAAAGATGACCTGCAGGGAGAGAGGGTGAGGCCATCAGTACTAGAAG-3'
Protein context (NP_036610.2, residues 54-74): PYRVIFLSKG[Lys64Asn]DAMQSFMMPF

ClinVar aggregate classification (germline): Uncertain significance (1 of 4 stars; one submission).

Submission:

Labcorp Genetics (formerly Invitae), Labcorp
Classification: Uncertain significance. Last evaluated: 2024-08-28. Review status: criteria provided, single submitter. Criteria: Invitae Variant Classification Sherloc (09022015). Collection method: clinical testing. Allele origin: germline.
Comment: This sequence change replaces lysine, which is basic and polar, with asparagine, which is neutral and polar, at codon 64 of the WBP2 protein (p.Lys64Asn). This variant is not present in population databases (gnomAD no frequency). This variant has not been reported in the literature in individuals affected with WBP2-related conditions. Invitae Evidence Modeling of protein sequence and biophysical properties (such as structural, functional, and spatial information, amino acid conservation, physicochemical variation, residue mobility, and thermodynamic stability) indicates that this missense variant is not expected to disrupt WBP2 protein function with a negative predictive value of 80%. In summary, the available evidence is currently insufficient to determine the role of this variant in disease. Therefore, it has been classified as a Variant of Uncertain Significance.